The following is an entry in ClinVar:

ClinVar aggregate classification (germline): Uncertain significance (1 of 4 stars; one submission).

Allele frequency attached by ClinVar (database versions not stated): gnomAD exomes below 0.00001 and 0.00001.
gnomAD v4.1: 3 of 1,608,452 alleles (0.00019%); highest among the groups gnomAD compares: Admixed American, 0.0017%; no homozygotes.

Submission:

Labcorp Genetics (formerly Invitae), Labcorp
Classification: Uncertain significance. Last evaluated: 2021-08-23. Review status: criteria provided, single submitter. Criteria: Invitae Variant Classification Sherloc (09022015). Collection method: clinical testing. Allele origin: germline.
Comment: This sequence change replaces serine with threonine at codon 699 of the TRIOBP protein (p.Ser699Thr). The serine residue is weakly conserved and there is a small physicochemical difference between serine and threonine. This variant is not present in population databases (ExAC no frequency). This variant has not been reported in the literature in individuals with TRIOBP-related conditions. Algorithms developed to predict the effect of missense changes on protein structure and function are either unavailable or do not agree on the potential impact of this missense change (SIFT: "Deleterious"; PolyPhen-2: "Benign"; Align-GVGD: "Class C0"). In summary, the available evidence is currently insufficient to determine the role of this variant in disease. Therefore, it has been classified as a Variant of Uncertain Significance.

NM_001039141.3(TRIOBP):c.2095T>A (p.Ser699Thr)

Gene: TRIOBP (TRIO and F-actin binding protein; plus strand). Cytogenetic location: 22q13.1.
Variant type: single nucleotide variant.
Coding change: c.2095T>A on transcript NM_001039141.3 (MANE Select); coding-DNA position 2095, T replaced by A.
Protein change: p.Ser699Thr; replaces serine 699 with threonine.
Molecular consequence: missense variant.
Genome position (GRCh38, 1-based): chr22:37,724,651, T>A. VCF-style: chr22-37724651-T-A. GRCh37 (hg19) VCF-style: chr22-38120658-T-A.
Other names: short protein forms S699T.
Identifiers: ClinVar variation 1391401 (VCV001391401.8), dbSNP rs1480483123, ClinGen allele CA411465404.